The following is an entry in ClinVar:

ClinVar aggregate classification (germline): Uncertain significance (1 of 4 stars; one submission).

Conditions:
Emery-Dreifuss muscular dystrophy 5, autosomal dominant (EDMD5). Also called: EMERY-DREIFUSS MUSCULAR DYSTROPHY 5. Identifiers: Orphanet 261, MedGen C2751805, MONDO:0013072, OMIM 612999.

Allele frequency attached by ClinVar (database versions not stated): gnomAD exomes 0.00001; TOPMed 0.00002.
gnomAD v4.1: 17 of 1,614,176 alleles (0.0011%); highest among the groups gnomAD compares: Admixed American, 0.022%; no homozygotes.

Submission:

Labcorp Genetics (formerly Invitae), Labcorp
Classification: Uncertain significance for Emery-Dreifuss muscular dystrophy 5, autosomal dominant. Last evaluated: 2025-04-10. Review status: criteria provided, single submitter. Criteria: Invitae Variant Classification Sherloc (09022015). Collection method: clinical testing. Allele origin: germline.
Comment: This sequence change affects codon 4489 of the SYNE2 mRNA. It is a 'silent' change, meaning that it does not change the encoded amino acid sequence of the SYNE2 protein. This variant is present in population databases (no rsID available, gnomAD 0.03%). This variant has not been reported in the literature in individuals affected with SYNE2-related conditions. ClinVar contains an entry for this variant (Variation ID: 2131560). Algorithms developed to predict the effect of sequence changes on RNA splicing suggest that this variant may disrupt the consensus splice site. In summary, the available evidence is currently insufficient to determine the role of this variant in disease. Therefore, it has been classified as a Variant of Uncertain Significance.

NM_182914.3(SYNE2):c.13467C>T (p.Asn4489=)

Gene: SYNE2 (spectrin repeat containing nuclear envelope protein 2; plus strand). Cytogenetic location: 14q23.2.
Variant type: single nucleotide variant.
Coding change: c.13467C>T on transcript NM_182914.3 (MANE Select); coding-DNA position 13467, C replaced by T.
Protein change: p.Asn4489=; no amino-acid change (asparagine 4489 retained).
Molecular consequence: synonymous variant.
Genome position (GRCh38, 1-based): chr14:64,125,123, C>T. VCF-style: chr14-64125123-C-T. GRCh37 (hg19) VCF-style: chr14-64591841-C-T.
Other names: c.13467C>T, p.Asn4489= (NM_015180.6).
Identifiers: ClinVar variation 2131560 (VCV002131560.4), dbSNP rs1451200995, ClinGen allele CA486713134.